The following is an entry in ClinVar:

ClinVar aggregate classification (germline): Uncertain significance (1 of 4 stars; one submission).

Conditions:
Hereditary insensitivity to pain with anhidrosis (CIPA). Also called: NEUROPATHY, CONGENITAL SENSORY, WITH ANHIDROSIS; NTRK1 Congenital Insensitivity to Pain with Anhidrosis; INSENSITIVITY TO PAIN, CONGENITAL, WITH ANHIDROSIS; FAMILIAL DYSAUTONOMIA, TYPE II; hereditary sensory and autonomic neuropathy type 4; HSAN Type IV. Identifiers: Orphanet 642, MedGen C0020074, MONDO:0009746, OMIM 256800.

Submission:

Labcorp Genetics (formerly Invitae), Labcorp
Classification: Uncertain significance for Hereditary insensitivity to pain with anhidrosis. Last evaluated: 2020-07-24. Review status: criteria provided, single submitter. Criteria: Invitae Variant Classification Sherloc (09022015). Collection method: clinical testing. Allele origin: germline.
Comment: This variant is an in-frame deletion of the genomic region encompassing exon(s) 3 of the NTRK1 gene. It preserves the integrity of the reading frame. This variant has not been reported in the literature in individuals with NTRK1-related conditions. Experimental studies and prediction algorithms are not available or were not evaluated, and the functional significance of this variant is currently unknown. In summary, the available evidence is currently insufficient to determine the role of this variant in disease. Therefore, it has been classified as a Variant of Uncertain Significance.

NC_000001.10:g.(?_156834510)_(156834601_?)del

Gene: NTRK1 (neurotrophic receptor tyrosine kinase 1; plus strand). Cytogenetic location: 1q23.1.
Variant type: Deletion.
Identifiers: ClinVar variation 1039910 (VCV001039910.2).